The following is an entry in ClinVar:

ClinVar aggregate classification (germline): Benign. Review status: criteria provided, multiple submitters, no conflicts (2 of 4 stars). 2 submissions from 2 submitters: Benign (2). Last evaluated 2013-01-07.

Allele frequency attached by ClinVar (database versions not stated): 1000 Genomes Project 0.25539; 1000 Genomes Project 30x 0.25874; TOPMed 0.30843; gnomAD 0.32630 and 0.33070.
gnomAD v4.1: 350,702 of 984,600 alleles (36%); highest among the groups gnomAD compares: Non-Finnish European, 37%; 63,714 homozygotes.

Submissions (2):

GeneDx
Classification: Benign. Last evaluated: 2013-01-07. Review status: criteria provided, single submitter. Criteria: GeneDx Variant Classification (06012015). Collection method: clinical testing. Allele origin: germline. Affected: yes.
Comment: This variant is considered likely benign or benign based on one or more of the following criteria: it is a conservative change, it occurs at a poorly conserved position in the protein, it is predicted to be benign by multiple in silico algorithms, and/or has population frequency not consistent with disease.

Breakthrough Genomics
Classification: Benign. Review status: criteria provided, single submitter. Criteria: ACMG Guidelines, 2015. Collection method: not provided. Allele origin: germline. Inheritance: Autosomal recessive inheritance. Affected: yes.

NM_015404.4(WHRN):c.618+1058G>A

Gene: WHRN (whirlin; minus strand). Cytogenetic location: 9q32.
Variant type: single nucleotide variant.
Coding change: c.618+1058G>A on transcript NM_015404.4 (MANE Select); 1058 bases into the intron after coding-DNA position 618, G replaced by A.
Molecular consequence: intron variant. On other transcripts: 5 prime UTR variant (1).
Genome position (GRCh38, 1-based): chr9:114,503,126, C>T on the plus strand (G>A on the coding strand, the complement: WHRN is on the minus strand). VCF-style: chr9-114503126-C-T. GRCh37 (hg19) VCF-style: chr9-117265406-C-T.
Other names: c.-551G>A (NM_001083885.3); c.618+1058G>A (NM_001173425.2).
Identifiers: ClinVar variation 137078 (VCV000137078.2), dbSNP rs2296262, ClinGen allele CA290580.